The following is an entry in ClinVar:

NM_000179.3(MSH6):c.3818dup (p.Asn1273fs)

Genes: FBXO11 (F-box protein 11; minus strand), MSH6 (mutS homolog 6; plus strand). Cytogenetic location: 2p16.3.
Variant type: Duplication.
Coding change: c.3818dup on transcript NM_000179.3 (MANE Select); coding-DNA position 3818, one base duplicated (A; older notation c.3818dupA).
Protein change: p.Asn1273fs; shifts the reading frame from asparagine 1273.
Molecular consequence: frameshift variant.
Genome position (GRCh38, 1-based): chr2:47,806,468, A duplicated; the last of 4 consecutive A bases (chr2:47,806,465-47,806,468); duplicating any one gives the same sequence. VCF-style (leftmost placement, unchanged base first): chr2-47806464-G-GA. GRCh37 (hg19) VCF-style: chr2-48033603-G-GA.
Other names: c.3428dup, p.Asn1143fs (NM_001281492.2); c.2912dup, p.Asn971fs (NM_001281493.2, NM_001281494.2); c.3818dup (NM_000179.2); c.3818dupA (NM_000179.2); short protein forms N971fs, N1143fs, N1273fs.
Identifiers: ClinVar variation 455291 (VCV000455291.11), dbSNP rs1553333321, ClinGen allele CA658655746.

ClinVar aggregate classification (germline): Pathogenic/Likely pathogenic. Review status: criteria provided, multiple submitters, no conflicts (2 of 4 stars). 5 submissions from 5 submitters: Pathogenic (3); Likely pathogenic (2). Last evaluated 2025-11-03.

Conditions:
Endometrial carcinoma. Also called: Endometrial carcinoma, somatic. Identifiers: MedGen C0476089, MONDO:0002447, OMIM 608089, HP:0012114.
Papillary carcinoma of the corpus uteri. Identifiers: Orphanet 213726, MedGen C5679804, MONDO:0016268.
Hereditary nonpolyposis colorectal neoplasms. Identifiers: MedGen C0009405, MeSH D003123.
Lynch syndrome 5 (LYNCH5). Also called: Colorectal cancer, hereditary nonpolyposis, type 5; Hereditary non-polyposis colorectal cancer, type 5. Identifiers: Orphanet 144, MedGen C1833477, MONDO:0013710, OMIM 614350. Disease mechanism: loss of function.

Submissions (5):

Institute of Medical Genetics and Applied Genomics, University Hospital Tübingen
Classification: Pathogenic for Papillary carcinoma of the corpus uteri. Last evaluated: 2025-11-03. Review status: criteria provided, single submitter. Criteria: ACMG Guidelines, 2015. Collection method: clinical testing. Allele origin: germline. Inheritance: Autosomal dominant inheritance. Affected: yes.

Labcorp Genetics (formerly Invitae), Labcorp
Classification: Pathogenic for Hereditary nonpolyposis colorectal neoplasms. Last evaluated: 2025-03-03. Review status: criteria provided, single submitter. Criteria: Invitae Variant Classification Sherloc (09022015). Collection method: clinical testing. Allele origin: germline.
Comment: This sequence change creates a premature translational stop signal (p.Asn1273Lysfs*2) in the MSH6 gene. It is expected to result in an absent or disrupted protein product. Loss-of-function variants in MSH6 are known to be pathogenic (PMID: 18269114, 24362816). This variant is not present in population databases (gnomAD no frequency). This variant has not been reported in the literature in individuals affected with MSH6-related conditions. ClinVar contains an entry for this variant (Variation ID: 455291). Algorithms developed to predict the effect of sequence changes on RNA splicing suggest that this variant may disrupt the consensus splice site. For these reasons, this variant has been classified as Pathogenic.

Myriad Genetics, Inc.
Classification: Pathogenic for Lynch syndrome 5. Last evaluated: 2023-08-25. Review status: criteria provided, single submitter. Criteria: Myriad Autosomal Dominant, Autosomal Recessive and X-Linked Classification Criteria (2023). Collection method: clinical testing. Allele origin: unknown.
Comment: This variant is considered pathogenic. This variant creates a frameshift predicted to result in premature protein truncation.

Baylor Genetics
Classification: Likely pathogenic for Endometrial carcinoma. Last evaluated: 2022-12-20. Review status: criteria provided, single submitter. Criteria: ACMG Guidelines, 2015. Collection method: clinical testing. Allele origin: unknown.

Revvity Omics, Revvity
Classification: Likely pathogenic. Last evaluated: 2022-10-17. Review status: criteria provided, single submitter. Criteria: ACMG Guidelines, 2015. Collection method: clinical testing. Allele origin: germline.

Literature cited by the submitters: PubMed 18269114 (cited by Labcorp Genetics (formerly Invitae), Labcorp); PubMed 24362816 (cited by Labcorp Genetics (formerly Invitae), Labcorp).